The following is an entry in ClinVar:

NM_000238.4(KCNH2):c.2162C>T (p.Pro721Leu)

Gene: KCNH2 (potassium voltage-gated channel subfamily H member 2; minus strand). Cytogenetic location: 7q36.1.
Variant type: single nucleotide variant.
Coding change: c.2162C>T on transcript NM_000238.4 (MANE Select); coding-DNA position 2162, C replaced by T.
Protein change: p.Pro721Leu; replaces proline 721 with leucine.
Molecular consequence: missense variant.
Genome position (GRCh38, 1-based): chr7:150,950,404, G>A on the plus strand (C>T on the coding strand, the complement: KCNH2 is on the minus strand). VCF-style: chr7-150950404-G-A. GRCh37 (hg19) VCF-style: chr7-150647492-G-A.
Other names: c.2162C>T (LRG_288t1); c.1142C>T, p.Pro381Leu (NM_001204798.2, NM_172057.3); c.1874C>T, p.Pro625Leu (NM_001406753.1, NM_001406756.1); c.1985C>T, p.Pro662Leu (NM_001406755.1); c.1862C>T, p.Pro621Leu (NM_001406757.1); c.2162C>T, p.Pro721Leu (NM_172056.3); short protein forms P381L, P721L, P662L, P621L, P625L.
Identifiers: ClinVar variation 67371 (VCV000067371.10), dbSNP rs199472986, ClinGen allele CA006311.
Genomic context (GRCh38, chr7:150,950,404, plus strand): 5'-TTGCAGTGCTGCAGCAGTGAGCGGTTCAGGTGCAGGCAGATGTCAGCCTGCAGGCACTCA[G>A]GGAAGCCCTTCAGCACCTGGGGGCAGGGTGGGGGCAGCTCAGCACACCCTCCCTTGGGAC-3'
Protein context (NP_000229.1, residues 711-731): IDMNAVLKGF[Pro721Leu]ECLQADICLH

ClinVar aggregate classification (germline): Likely pathogenic. Review status: criteria provided, multiple submitters, no conflicts (2 of 4 stars). 4 submissions from 4 submitters: Likely pathogenic (3). 1 of the submissions does not count toward it. Last evaluated 2026-08-27.

Conditions:
Familial long QT syndrome (RWS). Also called: Congenital long QT syndrome; Romano-Ward syndrome; VENTRICULAR FIBRILLATION WITH PROLONGED QT INTERVAL. Identifiers: Orphanet 768, MedGen C1141890, MONDO:0019171.
Long QT syndrome (LQTS). Identifiers: MedGen C0023976, MeSH D008133, MONDO:0002442. Disease mechanism: loss of function. Inheritance: Various modes of inheritance.

Submissions (4):

Clinical Genetics Laboratory, Skane University Hospital Lund
Classification: Likely pathogenic for Long QT syndrome. Last evaluated: 2026-08-27. Review status: criteria provided, single submitter. Criteria: ACMG Guidelines, 2015. Collection method: clinical testing. Allele origin: germline. Affected: yes.
Comment: ACMG criteria used: PS3_Supporting, PS4, PM2, PP3

Women's Health and Genetics/Laboratory Corporation of America, LabCorp
Classification: Likely pathogenic for Romano-Ward syndrome. Last evaluated: 2019-02-06. Review status: criteria provided, single submitter. Criteria: LabCorp Variant Classification Summary - May 2015. Collection method: clinical testing. Allele origin: germline.
Comment: Variant summary: The variant, KCNH2 c.2162C>T (p.Pro721Leu) results in a non-conservative amino acid change in the encoded protein sequence. Five of five in-silico tools predict a damaging effect of the variant on protein function. The variant was absent in 36208 control chromosomes (gnomAD) and has been reported in the literature in individuals affected with Long-QT syndrome (Giudicessi_2012, Itoh_2016, Kapa_2009). These data indicate that the variant may be associated with disease. At least one publication reports experimental evidence evaluating an impact on protein function and state that the missense change leads to a trafficking deficient protein which cannot be corrected in their in vitro studies (Anderson _2014). One clinical diagnostic laboratory has submitted clinical-significance assessments for this variant to ClinVar after 2014 without evidence for independent evaluation and classified the variant as likely pathogenic. Based on the evidence outlined above, the variant was classified as likely pathogenic.

Labcorp Genetics (formerly Invitae), Labcorp
Classification: Likely pathogenic for Long QT syndrome. Last evaluated: 2018-05-19. Review status: criteria provided, single submitter. Criteria: Invitae Variant Classification Sherloc (09022015). Collection method: clinical testing. Allele origin: germline.
Comment: Experimental studies have shown that this missense change leads to a trafficking-deficient KCNH2 protein that is unable to be corrected in vitro (PMID: 25417810). This variant is not present in population databases (rs199472986, ExAC no frequency). This variant has been reported in at least one individual affected with long QT syndrome (PMID: 15840476, 19841300, 22949429, 26669661). ClinVar contains an entry for this variant (Variation ID: 67371). This sequence change replaces proline with leucine at codon 721 of the KCNH2 protein (p.Pro721Leu). The proline residue is highly conserved and there is a moderate physicochemical difference between proline and leucine. In summary, this variant is absent from population databases, has been observed in at least one patient with long QT syndrome, and has been shown to have a deleterious functional effect. In the absence of confirmed segregation evidence, at this time this variant has been classified as Likely Pathogenic.

Cardiovascular Biomedical Research Unit, Royal Brompton & Harefield NHS Foundation Trust
No classification provided. Condition: Familial long QT syndrome. Review status: no classification provided. Collection method: literature only. Allele origin: germline. Not counted in ClinVar's aggregate classification.
Comment: This variant has been reported as associated with Long QT syndrome in the following publications (PMID:15840476;PMID:19841300). This is a literature report, and does not necessarily reflect the clinical interpretation of the Imperial College / Royal Brompton Cardiovascular Genetics laboratory.

Literature cited by the submitters: PubMed 19841300 (cited by 3 submitters); PubMed 22949429 (cited by Women's Health and Genetics/Laboratory Corporation of America, LabCorp and Labcorp Genetics (formerly Invitae), Labcorp); PubMed 25417810 (cited by Women's Health and Genetics/Laboratory Corporation of America, LabCorp and Labcorp Genetics (formerly Invitae), Labcorp); PubMed 15840476 (cited by Labcorp Genetics (formerly Invitae), Labcorp and Cardiovascular Biomedical Research Unit, Royal Brompton & Harefield NHS Foundation Trust); PubMed 26669661 (cited by Labcorp Genetics (formerly Invitae), Labcorp); PubMed 22581653 (cited by Cardiovascular Biomedical Research Unit, Royal Brompton & Harefield NHS Foundation Trust).